The following is an entry in ClinVar:

ClinVar aggregate classification (germline): Uncertain significance (0 of 4 stars; one submission).

Submission:

Martin Pollak Laboratory,  Beth Israel Deaconess Medical Center
Classification: Uncertain significance. Review status: no assertion criteria provided. Collection method: not provided. Allele origin: unknown.
Comment: Lower and higher UCa2+ groups
ClinVar note: Converted during submission from unknown to Uncertain significance.

NM_018646.6(TRPV6):c.1558A>C (p.Ile520Leu)

Gene: TRPV6 (transient receptor potential cation channel subfamily V member 6; minus strand). Cytogenetic location: 7q34.
Variant type: single nucleotide variant.
Coding change: c.1558A>C on transcript NM_018646.6 (MANE Select); coding-DNA position 1558, A replaced by C.
Protein change: p.Ile520Leu; replaces isoleucine 520 with leucine.
Molecular consequence: missense variant.
Genome position (GRCh38, 1-based): chr7:142,874,505, T>G on the plus strand (A>C on the coding strand, the complement: TRPV6 is on the minus strand). VCF-style: chr7-142874505-T-G. GRCh37 (hg19) VCF-style: chr7-142572258-T-G.
Other names: short protein forms I520L.
Identifiers: ClinVar variation 64565 (VCV000064565.2), dbSNP rs387907546, ClinGen allele CA216414.